The following is an entry in ClinVar:

NM_000256.3(MYBPC3):c.1615_1616insCCTCA (p.Ile539fs)

Gene: MYBPC3 (myosin binding protein C3; minus strand). Cytogenetic location: 11p11.2.
Variant type: Insertion.
Coding change: c.1615_1616insCCTCA on transcript NM_000256.3 (MANE Select); coding-DNA positions 1615 to 1616, CCTCA inserted.
Protein change: p.Ile539fs; shifts the reading frame from isoleucine 539.
Molecular consequence: frameshift variant.
Genome position: GRCh38 VCF-style: chr11-47342586-A-ATGAGG. GRCh37 (hg19) VCF-style: chr11-47364137-A-ATGAGG.
Other names: short protein forms I539fs.
Identifiers: ClinVar variation 941869 (VCV000941869.9), dbSNP rs2095889815, ClinGen allele CA1139661929.

ClinVar aggregate classification (germline): Pathogenic. Review status: criteria provided, multiple submitters, no conflicts (2 of 4 stars). 2 submissions from 2 submitters: Pathogenic (2). Last evaluated 2022-01-31.

Conditions:
Hypertrophic cardiomyopathy. Also called: HYPERTROPHIC MYOCARDIOPATHY. Identifiers: Orphanet 217569, MedGen C0007194, MeSH D002312, MONDO:0005045, HP:0001639.

Submissions (2):

GeneDx
Classification: Pathogenic. Last evaluated: 2022-01-31. Review status: criteria provided, single submitter. Criteria: GeneDx Variant Classification Process June 2021. Collection method: clinical testing. Allele origin: germline. Affected: yes.
Comment: Has not been previously published as pathogenic or benign to our knowledge; Not observed at significant frequency in large population cohorts (gnomAD); Frameshift variant predicted to result in protein truncation or nonsense mediated decay in a gene for which loss-of-function is a known mechanism of disease; Reported in ClinVar as a pathogenic variant (ClinVar Variant ID# 941869); This variant is associated with the following publications: (PMID: 27535533, 26582918)

Labcorp Genetics (formerly Invitae), Labcorp
Classification: Pathogenic for Hypertrophic cardiomyopathy. Last evaluated: 2019-08-11. Review status: criteria provided, single submitter. Criteria: Invitae Variant Classification Sherloc (09022015). Collection method: clinical testing. Allele origin: germline.
Comment: This sequence change creates a premature translational stop signal (p.Ile539Thrfs*18) in the MYBPC3 gene. It is expected to result in an absent or disrupted protein product. This variant is not present in population databases (ExAC no frequency). This variant has not been reported in the literature in individuals with MYBPC3-related conditions. Loss-of-function variants in MYBPC3 are known to be pathogenic (PMID: 19574547). For these reasons, this variant has been classified as Pathogenic.

Literature cited by the submitters: PubMed 19574547 (cited by Labcorp Genetics (formerly Invitae), Labcorp).